The following is an entry in ClinVar:

NM_021615.5(CHST6):c.*2426T>C

Gene: CHST6 (carbohydrate sulfotransferase 6; minus strand). Cytogenetic location: 16q23.1.
Variant type: single nucleotide variant.
Coding change: c.*2426T>C on transcript NM_021615.5 (MANE Select); 2426 bases downstream of the stop codon, T replaced by C.
Molecular consequence: 3 prime UTR variant.
Genome position (GRCh38, 1-based): chr16:75,476,215, A>G on the plus strand (T>C on the coding strand, the complement: CHST6 is on the minus strand). VCF-style: chr16-75476215-A-G. GRCh37 (hg19) VCF-style: chr16-75510113-A-G.
Identifiers: ClinVar variation 884932 (VCV000884932.4), dbSNP rs142614349, ClinGen allele CA283851190.

ClinVar aggregate classification (germline): Likely benign (1 of 4 stars; one submission).

Conditions:
Macular corneal dystrophy (MCD). Also called: Macular corneal dystrophy Type I; GROENOUW TYPE II CORNEAL DYSTROPHY. Identifiers: Orphanet 98969, MedGen C1636149, MONDO:0009020, OMIM 217800.

Allele frequency attached by ClinVar (database versions not stated): 1000 Genomes Project 30x 0.00250; 1000 Genomes Project 0.00260; gnomAD 0.00343 and 0.00365; TOPMed 0.00348.

Submission:

Illumina Laboratory Services, Illumina
Classification: Likely benign for Macular corneal dystrophy. Last evaluated: 2018-01-12. Review status: criteria provided, single submitter. Criteria: ICSL Variant Classification Criteria 13 December 2019. Collection method: clinical testing. Allele origin: germline.
Comment: This variant was observed in the ICSL laboratory as part of a predisposition screen in an ostensibly healthy population. It had not been previously curated by ICSL or reported in the Human Gene Mutation Database (HGMD: prior to June 1st, 2018), and was therefore a candidate for classification through an automated scoring system. Utilizing variant allele frequency, disease prevalence and penetrance estimates, and inheritance mode, an automated score was calculated to assess if this variant is too frequent to cause the disease. Based on the score and internal cut-off values, a variant classified as likely benign is not then subjected to further curation. The score for this variant resulted in a classification of likely benign for this disease.